The following is an entry in ClinVar:

ClinVar aggregate classification (germline): Uncertain significance. Review status: criteria provided, multiple submitters, no conflicts (2 of 4 stars). 8 submissions from 8 submitters: Uncertain significance (8). Last evaluated 2026-01-19.

Conditions:
Familial adenomatous polyposis 1 (FAP1). Also called: POLYPOSIS, ADENOMATOUS INTESTINAL; FAMILIAL ADENOMATOUS POLYPOSIS 1, ATTENUATED. Identifiers: MedGen C2713442, MONDO:0021056, OMIM 175100. Disease mechanism: loss of function.
Classic or attenuated familial adenomatous polyposis. Identifiers: MedGen CN372698, MONDO:0021057.
Hereditary cancer-predisposing syndrome. Also called: Hereditary Cancer Syndrome; Neoplastic Syndromes, Hereditary; Tumor predisposition; Hereditary neoplastic syndrome. Identifiers: Orphanet 140162, MedGen C0027672, MeSH D009386, MONDO:0015356.

Allele frequency attached by ClinVar (database versions not stated): ExAC 0.00001; gnomAD 0.00001; gnomAD exomes 0.00001; TOPMed 0.00001.
gnomAD v4.1: 10 of 1,613,966 alleles (0.00062%); highest among the groups gnomAD compares: East Asian, 0.0022%; no homozygotes.

Submissions (8):

Labcorp Genetics (formerly Invitae), Labcorp
Classification: Uncertain significance for Familial adenomatous polyposis 1. Last evaluated: 2026-01-19. Review status: criteria provided, single submitter. Criteria: Invitae Variant Classification Sherloc (09022015). Collection method: clinical testing. Allele origin: germline.
Comment: This sequence change replaces arginine, which is basic and polar, with histidine, which is basic and polar, at codon 94 of the APC protein (p.Arg94His). This variant is present in population databases (rs774229223, gnomAD 0.0009%). This variant has not been reported in the literature in individuals affected with APC-related conditions. ClinVar contains an entry for this variant (Variation ID: 489430). Invitae Evidence Modeling of protein sequence and biophysical properties (such as structural, functional, and spatial information, amino acid conservation, physicochemical variation, residue mobility, and thermodynamic stability) indicates that this missense variant is not expected to disrupt APC protein function with a negative predictive value of 95%. In summary, the available evidence is currently insufficient to determine the role of this variant in disease. Therefore, it has been classified as a Variant of Uncertain Significance.

Center for Genomic Medicine, Rigshospitalet, Copenhagen University Hospital
Classification: Uncertain significance. Last evaluated: 2025-03-04. Review status: criteria provided, single submitter. Criteria: ACMG Guidelines, 2015. Collection method: clinical testing. Allele origin: germline.

Ambry Genetics
Classification: Uncertain significance for Hereditary cancer-predisposing syndrome. Last evaluated: 2024-09-18. Review status: criteria provided, single submitter. Criteria: Ambry Variant Classification Scheme 2023. Collection method: clinical testing. Allele origin: germline.
Comment: The p.R94H variant (also known as c.281G>A), located in coding exon 3 of the APC gene, results from a G to A substitution at nucleotide position 281. The arginine at codon 94 is replaced by histidine, an amino acid with highly similar properties. Missense alterations in APC are not a common cause of disease (Spier I et al. Genet Med. 2024 Feb;26(2):100992). This amino acid position is highly conserved in available vertebrate species. In addition, in silico predictors for this gene do not accurately predict pathogenicity. Based on the available evidence, the clinical significance of this variant remains unclear.

GeneDx
Classification: Uncertain significance. Last evaluated: 2024-07-30. Review status: criteria provided, single submitter. Criteria: GeneDx Variant Classification Process June 2021. Collection method: clinical testing. Allele origin: germline. Affected: yes.
Comment: Not observed at significant frequency in large population cohorts (gnomAD); In silico analysis indicates that this missense variant does not alter protein structure/function; Observed in a patient with colorectal cancer (PMID: 30680046); This variant is associated with the following publications: (PMID: 30680046, 36243179)

Baylor Genetics
Classification: Uncertain significance for Familial adenomatous polyposis 1. Last evaluated: 2023-12-06. Review status: criteria provided, single submitter. Criteria: ACMG Guidelines, 2015. Collection method: clinical testing. Allele origin: unknown.

All of Us Research Program, National Institutes of Health
Classification: Uncertain significance for Classic or attenuated familial adenomatous polyposis. Last evaluated: 2023-08-28. Review status: criteria provided, single submitter. Criteria: ACMG Guidelines, 2015. Collection method: clinical testing. Allele origin: germline. Inheritance: Autosomal dominant inheritance. Observed: 1 variant allele, 1 heterozygote.
Comment: This missense variant replaces arginine with histidine at codon 94 of the APC protein. Computational prediction suggests that this variant may not impact protein structure and function (internally defined REVEL score threshold <= 0.5, PMID: 27666373). To our knowledge, functional studies have not been reported for this variant. This variant has not been reported in individuals affected with APC-related disorders in the literature. This variant has been identified in 1/246238 chromosomes in the general population by the Genome Aggregation Database (gnomAD). The available evidence is insufficient to determine the role of this variant in disease conclusively. Therefore, this variant is classified as a Variant of Uncertain Significance.

This study involves interpretation of variants in research participants for the purpose of population health screening. Participant phenotype was not available at the time of variant classification. Additional details can be found in publication PMID: 35346344, PMCID: PMC8962531

Color Diagnostics, LLC DBA Color Health
Classification: Uncertain significance for Hereditary cancer-predisposing syndrome. Last evaluated: 2023-08-17. Review status: criteria provided, single submitter. Criteria: ACMG Guidelines, 2015. Collection method: clinical testing. Allele origin: germline.
Comment: This missense variant replaces arginine with histidine at codon 94 of the APC protein. Computational prediction suggests that this variant may not impact protein structure and function (internally defined REVEL score threshold <= 0.5, PMID: 27666373). To our knowledge, functional studies have not been reported for this variant. This variant has not been reported in individuals affected with APC-related disorders in the literature. This variant has been identified in 1/246238 chromosomes in the general population by the Genome Aggregation Database (gnomAD). The available evidence is insufficient to determine the role of this variant in disease conclusively. Therefore, this variant is classified as a Variant of Uncertain Significance.

Quest Diagnostics Nichols Institute San Juan Capistrano
Classification: Uncertain significance. Last evaluated: 2023-01-30. Review status: criteria provided, single submitter. Criteria: Quest Diagnostics criteria. Collection method: clinical testing. Allele origin: unknown.
Comment: To the best of our knowledge, the variant has not been reported in the published literature. The frequency of this variant in the general population, 0.000013 (2/152118 chromosomes), is uninformative in assessment of its pathogenicity. Analysis of this variant using bioinformatics tools for the prediction of the effect of amino acid changes on protein structure and function yielded predictions that this variant is benign. Based on the available information, we are unable to determine the clinical significance of this variant.

NM_000038.6(APC):c.281G>A (p.Arg94His)

Gene: APC (APC regulator of Wnt signaling pathway; plus strand). Cytogenetic location: 5q22.2.
Variant type: single nucleotide variant.
Coding change: c.281G>A on transcript NM_000038.6 (MANE Select); coding-DNA position 281, G replaced by A.
Protein change: p.Arg94His; replaces arginine 94 with histidine.
Molecular consequence: missense variant. On other transcripts: 5 prime UTR variant (1).
Genome position (GRCh38, 1-based): chr5:112,767,249, G>A. VCF-style: chr5-112767249-G-A. GRCh37 (hg19) VCF-style: chr5-112102946-G-A.
Other names: c.281G>A, p.Arg94His (NM_001127510.3, NM_001354895.2, NM_001354896.2 and 2 more transcripts); c.311G>A, p.Arg104His (NM_001127511.3, NM_001354897.2, NM_001354902.2); c.206G>A, p.Arg69His (NM_001354898.2, NM_001354904.2); c.104G>A, p.Arg35His (NM_001354900.2, NM_001354901.2, NM_001354905.2); c.-755G>A (NM_001354906.2); short protein forms R104H, R94H, R35H, R69H.
Identifiers: ClinVar variation 489430 (VCV000489430.31), dbSNP rs774229223, ClinGen allele CA033585.